The following is an entry in ClinVar:

NM_000360.4(TH):c.91-868C>T

Gene: TH (tyrosine hydroxylase; minus strand). Cytogenetic location: 11p15.5.
Variant type: single nucleotide variant.
Coding change: c.91-868C>T on transcript NM_000360.4 (MANE Select); 868 bases into the intron before coding-DNA position 91, C replaced by T.
Molecular consequence: intron variant. On other transcripts: missense variant (2).
Genome position (GRCh38, 1-based): chr11:2,170,739, G>A on the plus strand (C>T on the coding strand, the complement: TH is on the minus strand). VCF-style: chr11-2170739-G-A. GRCh37 (hg19) VCF-style: chr11-2191969-G-A.
Other names: c.134C>T, p.Pro45Leu (NM_199292.3); c.122C>T, p.Pro41Leu (NM_199293.3); short protein forms P45L, P41L.
Identifiers: ClinVar variation 567057 (VCV000567057.13), dbSNP rs148235227, ClinGen allele CA5818822.
Genomic context (GRCh38, chr11:2,170,739, plus strand): 5'-CTCTTACTTACCCTTGGGGTGGGGGTGTAGGATGCAGCTGGGGCTGCAGTTCCAGGCCAC[G>A]GAGAGCCTGTGAGGCTGGGCCCCGGGGCGCCCTGGGGAGGGGATGCCTGATGGGGAGCCT-3'

ClinVar aggregate classification (germline): Conflicting classifications of pathogenicity. Review status: criteria provided, conflicting classifications (1 of 4 stars). 5 submissions from 5 submitters: Uncertain significance (2); Likely benign (2). 1 of the submissions does not count toward it. Last evaluated 2024-02-07.

Conditions:
Inborn genetic diseases. Identifiers: MedGen C0950123, MeSH D030342.
TH-deficient dopa-responsive dystonia. Also called: DYT-TH; Tyrosine Hydroxylase-Deficient Dopa-Responsive Dystonia; Segawa syndrome, autosomal recessive. Identifiers: Orphanet 101150, MedGen C2673535, MONDO:0011551, OMIM 605407.

Allele frequency attached by ClinVar (database versions not stated): gnomAD 0.00011 and 0.00012; 1000 Genomes Project 0.00020; gnomAD exomes 0.00015; 1000 Genomes Project 30x 0.00016; ExAC 0.00018; ESP Exome Variant Server 0.00008; TOPMed 0.00014.
gnomAD v4.1: 411 of 1,600,356 alleles (0.026%); highest among the groups gnomAD compares: Non-Finnish European, 0.033%; no homozygotes.

Submissions (5):

Blueprint Genetics
Classification: Likely benign. Last evaluated: 2024-02-07. Review status: criteria provided, single submitter. Criteria: ACMG Guidelines, 2015. Collection method: clinical testing. Allele origin: germline.

Labcorp Genetics (formerly Invitae), Labcorp
Classification: Uncertain significance for TH-deficient dopa-responsive dystonia. Last evaluated: 2022-08-31. Review status: criteria provided, single submitter. Criteria: Invitae Variant Classification Sherloc (09022015). Collection method: clinical testing. Allele origin: germline.
Comment: This sequence change replaces proline, which is neutral and non-polar, with leucine, which is neutral and non-polar, at codon 45 of the TH protein (p.Pro45Leu). This variant is present in population databases (rs148235227, gnomAD 0.03%). This variant has not been reported in the literature in individuals affected with TH-related conditions. ClinVar contains an entry for this variant (Variation ID: 567057). Advanced modeling of protein sequence and biophysical properties (such as structural, functional, and spatial information, amino acid conservation, physicochemical variation, residue mobility, and thermodynamic stability) performed at Invitae indicates that this missense variant is not expected to disrupt TH protein function. In summary, the available evidence is currently insufficient to determine the role of this variant in disease. Therefore, it has been classified as a Variant of Uncertain Significance.

Ambry Genetics
Classification: Likely benign for Inborn genetic diseases. Last evaluated: 2022-01-26. Review status: criteria provided, single submitter. Criteria: Ambry Variant Classification Scheme 2023. Collection method: clinical testing. Allele origin: germline.

Centre for Mendelian Genomics, University Medical Centre Ljubljana
Classification: Uncertain significance for TH-deficient dopa-responsive dystonia. Last evaluated: 2019-01-28. Review status: criteria provided, single submitter. Criteria: ACMG Guidelines, 2015. Collection method: clinical testing. Allele origin: unknown. Affected: yes.
Comment: This variant was classified as: Uncertain significance. The available evidence on this variant's pathogenicity is insufficient or conflicting. The following ACMG criteria were applied in classifying this variant: No criteria apply.

Natera, Inc.
Classification: Uncertain significance for Autosomal recessive Segawa syndrome. Last evaluated: 2019-11-11. Review status: no assertion criteria provided. Collection method: clinical testing. Allele origin: germline. Not counted in ClinVar's aggregate classification.